The following is an entry in ClinVar:

NM_024422.6(DSC2):c.430A>G (p.Met144Val)

Gene: DSC2 (desmocollin 2; minus strand). Cytogenetic location: 18q12.1.
Variant type: single nucleotide variant.
Coding change: c.430A>G on transcript NM_024422.6 (MANE Select); coding-DNA position 430, A replaced by G.
Protein change: p.Met144Val; replaces methionine 144 with valine.
Molecular consequence: missense variant. On other transcripts: initiator codon variant (2).
Genome position (GRCh38, 1-based): chr18:31,091,072, T>C on the plus strand (A>G on the coding strand, the complement: DSC2 is on the minus strand). VCF-style: chr18-31091072-T-C. GRCh37 (hg19) VCF-style: chr18-28671035-T-C.
Other names: c.1A>G, p.Met1Val (NM_001406506.1, NM_001406507.1); c.430A>G, p.Met144Val (NM_004949.5); short protein forms M144V, M1V.
Identifiers: ClinVar variation 4796860 (VCV004796860.1).

ClinVar aggregate classification (germline): Uncertain significance (1 of 4 stars; one submission).

Conditions:
Arrhythmogenic right ventricular dysplasia 11. Also called: ARRHYTHMOGENIC RIGHT VENTRICULAR DYSPLASIA, FAMILIAL, 11; Arrhythmogenic Right Ventricular Dysplasia/Cardiomyopathy11; Arrhythmogenic right ventricular dysplasia 11 with mild palmoplantar keratoderma and woolly hair. Identifiers: MedGen C1864850, MONDO:0012506, OMIM 610476.

Submission:

Labcorp Genetics (formerly Invitae), Labcorp
Classification: Uncertain significance for Arrhythmogenic right ventricular dysplasia 11. Last evaluated: 2025-05-27. Review status: criteria provided, single submitter. Criteria: Invitae Variant Classification Sherloc (09022015). Collection method: clinical testing. Allele origin: germline.
Comment: This sequence change replaces methionine, which is neutral and non-polar, with valine, which is neutral and non-polar, at codon 144 of the DSC2 protein (p.Met144Val). This variant is not present in population databases (gnomAD no frequency). This variant has not been reported in the literature in individuals affected with DSC2-related conditions. Invitae Evidence Modeling of protein sequence and biophysical properties (such as structural, functional, and spatial information, amino acid conservation, physicochemical variation, residue mobility, and thermodynamic stability) indicates that this missense variant is not expected to disrupt DSC2 protein function with a negative predictive value of 80%. In summary, the available evidence is currently insufficient to determine the role of this variant in disease. Therefore, it has been classified as a Variant of Uncertain Significance.